The following is an entry in ClinVar:

NM_002633.3(PGM1):c.409+6T>C

Gene: PGM1 (phosphoglucomutase 1; plus strand). Cytogenetic location: 1p31.3.
Variant type: single nucleotide variant.
Coding change: c.409+6T>C on transcript NM_002633.3 (MANE Select); 6 bases into the intron after coding-DNA position 409, T replaced by C.
Molecular consequence: intron variant.
Genome position (GRCh38, 1-based): chr1:63,629,593, T>C. VCF-style: chr1-63629593-T-C. GRCh37 (hg19) VCF-style: chr1-64095264-T-C.
Other names: c.-183+6T>C (NM_001172819.2); c.463+6T>C (NM_001172818.1).
Identifiers: ClinVar variation 1504168 (VCV001504168.6), dbSNP rs2100982034, ClinGen allele CA2573132548.

ClinVar aggregate classification (germline): Uncertain significance (1 of 4 stars; one submission).

Conditions:
PGM1-congenital disorder of glycosylation. Also called: CDG It; PHOSPHOGLUCOMUTASE 1 DEFICIENCY; PGM1 DEFICIENCY; GLYCOGEN STORAGE DISEASE XIV; GSD XIV; Congenital disorder of glycosylation type 1t. Identifiers: Orphanet 319646, MedGen C2752015, MONDO:0013968, OMIM 614921.

Submission:

Labcorp Genetics (formerly Invitae), Labcorp
Classification: Uncertain significance for PGM1-congenital disorder of glycosylation. Last evaluated: 2023-08-04. Review status: criteria provided, single submitter. Criteria: Invitae Variant Classification Sherloc (09022015). Collection method: clinical testing. Allele origin: germline.
Comment: This sequence change falls in intron 2 of the PGM1 gene. It does not directly change the encoded amino acid sequence of the PGM1 protein. It affects a nucleotide within the consensus splice site. This variant is not present in population databases (gnomAD no frequency). This variant has not been reported in the literature in individuals affected with PGM1-related conditions. ClinVar contains an entry for this variant (Variation ID: 1504168). Variants that disrupt the consensus splice site are a relatively common cause of aberrant splicing (PMID: 17576681, 9536098). Algorithms developed to predict the effect of sequence changes on RNA splicing suggest that this variant may disrupt the consensus splice site. In summary, the available evidence is currently insufficient to determine the role of this variant in disease. Therefore, it has been classified as a Variant of Uncertain Significance.

Literature cited by the submitters: PubMed 17576681; PubMed 9536098.